The following is an entry in ClinVar:

ClinVar aggregate classification (germline): Uncertain significance (1 of 4 stars; one submission).

Allele frequency attached by ClinVar (database versions not stated): TOPMed below 0.00001.
gnomAD v4.1: 26 of 1,614,104 alleles (0.0016%); highest among the groups gnomAD compares: Non-Finnish European, 0.0022%; no homozygotes.

Submission:

GeneDx
Classification: Uncertain significance. Last evaluated: 2022-10-09. Review status: criteria provided, single submitter. Criteria: GeneDx Variant Classification Process June 2021. Collection method: clinical testing. Allele origin: germline. Affected: yes.
Comment: Not observed at significant frequency in large population cohorts (gnomAD); In silico analysis supports that this missense variant has a deleterious effect on protein structure/function; Has not been previously published as pathogenic or benign to our knowledge

NM_001846.4(COL4A2):c.281G>A (p.Gly94Glu)

Gene: COL4A2 (collagen type IV alpha 2 chain; plus strand). Cytogenetic location: 13q34.
Variant type: single nucleotide variant.
Coding change: c.281G>A on transcript NM_001846.4 (MANE Select); coding-DNA position 281, G replaced by A.
Protein change: p.Gly94Glu; replaces glycine 94 with glutamic acid.
Molecular consequence: missense variant.
Genome position (GRCh38, 1-based): chr13:110,424,834, G>A. VCF-style: chr13-110424834-G-A. GRCh37 (hg19) VCF-style: chr13-111077181-G-A.
Other names: short protein forms G94E.
Identifiers: ClinVar variation 2497902 (VCV002497902.1), dbSNP rs1880405756, ClinGen allele CA388728076.